The following is an entry in ClinVar:

NM_001134831.2(AHI1):c.2868delinsGGT (p.His957fs)

Gene: AHI1 (Abelson helper integration site 1; minus strand). Cytogenetic location: 6q23.3.
Variant type: Indel.
Coding change: c.2868delinsGGT on transcript NM_001134831.2 (MANE Select); coding-DNA position 2868, C replaced by GGT.
Protein change: p.His957fs; shifts the reading frame from histidine 957.
Molecular consequence: frameshift variant.
Genome position (GRCh38, 1-based): chr6:135,411,441, G replaced by ACC on the plus strand (C replaced by GGT on the coding strand, the reverse complement: AHI1 is on the minus strand). VCF-style: chr6-135411441-G-ACC. GRCh37 (hg19) VCF-style: chr6-135732579-G-ACC.
Other names: c.2868delinsGGT, p.His957fs (NM_001134830.2, NM_001134832.2, NM_001350503.2 and 2 more transcripts); short protein forms H957fs.
Identifiers: ClinVar variation 5014671 (VCV005014671.1).

ClinVar aggregate classification (germline): Pathogenic (1 of 4 stars; one submission).

Conditions:
Joubert syndrome 3 (JBTS3). Also called: AHI1-related Ciliopathy. Identifiers: Orphanet 220493, MedGen C1837713, MONDO:0012078, OMIM 608629.

Submission:

Myriad Genetics, Inc.
Classification: Pathogenic for Joubert syndrome 3. Last evaluated: 2025-07-01. Review status: criteria provided, single submitter. Criteria: Myriad Autosomal Dominant, Autosomal Recessive and X-Linked Classification Criteria (2023). Collection method: clinical testing. Allele origin: unknown.
Comment: NM_001134831.1(AHI1):c.2868delCinsGGT(H957Vfs*23) is expected to be pathogenic in the context of Joubert syndrome, AHI1-related. This variant is predicted to lead to an abnormal or absent protein product due to the creation of a premature termination codon in AHI1, a gene where loss-of-function variants are known to be pathogenic. Please note: this variant was assessed in the context of healthy population screening.